The following is an entry in ClinVar:

NM_002834.5(PTPN11):c.574G>A (p.Asp192Asn)

Gene: PTPN11 (protein tyrosine phosphatase non-receptor type 11; plus strand). Cytogenetic location: 12q24.13.
Variant type: single nucleotide variant.
Coding change: c.574G>A on transcript NM_002834.5 (MANE Select); coding-DNA position 574, G replaced by A.
Protein change: p.Asp192Asn; replaces aspartic acid 192 with asparagine.
Molecular consequence: missense variant.
Genome position (GRCh38, 1-based): chr12:112,454,612, G>A. VCF-style: chr12-112454612-G-A. GRCh37 (hg19) VCF-style: chr12-112892416-G-A.
Other names: c.574G>A, p.Asp192Asn (NM_001330437.2, NM_080601.3); c.571G>A, p.Asp191Asn (NM_001374625.1); short protein forms D192N, D191N.
Identifiers: ClinVar variation 2785553 (VCV002785553.3), dbSNP rs1488672907, ClinGen allele CA386782389.

ClinVar aggregate classification (germline): Uncertain significance (1 of 4 stars; one submission).

Conditions:
RASopathy. Also called: rasopathies; Noonan spectrum disorder. Identifiers: Orphanet 536391, MedGen C5555857, MONDO:0021060.

Submission:

Labcorp Genetics (formerly Invitae), Labcorp
Classification: Uncertain significance for RASopathy. Last evaluated: 2024-08-13. Review status: criteria provided, single submitter. Criteria: Invitae Variant Classification Sherloc (09022015). Collection method: clinical testing. Allele origin: germline.
Comment: This sequence change replaces aspartic acid, which is acidic and polar, with asparagine, which is neutral and polar, at codon 192 of the PTPN11 protein (p.Asp192Asn). This variant is not present in population databases (gnomAD no frequency). This variant has not been reported in the literature in individuals affected with PTPN11-related conditions. Invitae Evidence Modeling of protein sequence and biophysical properties (such as structural, functional, and spatial information, amino acid conservation, physicochemical variation, residue mobility, and thermodynamic stability) indicates that this missense variant is expected to disrupt PTPN11 protein function with a positive predictive value of 95%. In summary, the available evidence is currently insufficient to determine the role of this variant in disease. Therefore, it has been classified as a Variant of Uncertain Significance.